The following is an entry in ClinVar:

NM_006662.3(SRCAP):c.7670C>T (p.Ala2557Val)

Gene: SRCAP (Snf2 related CREBBP activator protein; plus strand). Cytogenetic location: 16p11.2.
Variant type: single nucleotide variant.
Coding change: c.7670C>T on transcript NM_006662.3 (MANE Select); coding-DNA position 7670, C replaced by T.
Protein change: p.Ala2557Val; replaces alanine 2557 with valine.
Molecular consequence: missense variant.
Genome position (GRCh38, 1-based): chr16:30,737,710, C>T. VCF-style: chr16-30737710-C-T. GRCh37 (hg19) VCF-style: chr16-30749031-C-T.
Other names: short protein forms A2557V.
Identifiers: ClinVar variation 4720963 (VCV004720963.1).

ClinVar aggregate classification (germline): Uncertain significance (1 of 4 stars; one submission).

gnomAD v4.1: 1 of 1,614,236 alleles (0.000062%); highest among the groups gnomAD compares: Non-Finnish European, 0.000085%; no homozygotes.

Submission:

Labcorp Genetics (formerly Invitae), Labcorp
Classification: Uncertain significance. Last evaluated: 2025-06-20. Review status: criteria provided, single submitter. Criteria: Invitae Variant Classification Sherloc (09022015). Collection method: clinical testing. Allele origin: germline.
Comment: This sequence change replaces alanine, which is neutral and non-polar, with valine, which is neutral and non-polar, at codon 2557 of the SRCAP protein (p.Ala2557Val). This variant is not present in population databases (gnomAD no frequency). This variant has not been reported in the literature in individuals affected with SRCAP-related conditions. Invitae Evidence Modeling of protein sequence and biophysical properties (such as structural, functional, and spatial information, amino acid conservation, physicochemical variation, residue mobility, and thermodynamic stability) indicates that this missense variant is not expected to disrupt SRCAP protein function with a negative predictive value of 80%. In summary, the available evidence is currently insufficient to determine the role of this variant in disease. Therefore, it has been classified as a Variant of Uncertain Significance.